The following is an entry in ClinVar:

ClinVar aggregate classification (germline): Uncertain significance. Review status: criteria provided, multiple submitters, no conflicts (2 of 4 stars). 2 submissions from 2 submitters: Uncertain significance (2). Last evaluated 2025-06-10.

Conditions:
Hereditary cancer-predisposing syndrome. Also called: Neoplastic Syndromes, Hereditary; Tumor predisposition; Hereditary neoplastic syndrome; Hereditary Cancer Syndrome. Identifiers: Orphanet 140162, MedGen C0027672, MeSH D009386, MONDO:0015356.
Familial adenomatous polyposis 1 (FAP1). Also called: POLYPOSIS, ADENOMATOUS INTESTINAL; FAMILIAL ADENOMATOUS POLYPOSIS 1, ATTENUATED. Identifiers: MedGen C2713442, MONDO:0021056, OMIM 175100. Disease mechanism: loss of function.

Submissions (2):

Ambry Genetics
Classification: Uncertain significance for Hereditary cancer-predisposing syndrome. Last evaluated: 2025-06-10. Review status: criteria provided, single submitter. Criteria: Ambry Variant Classification Scheme 2023. Collection method: clinical testing. Allele origin: germline.
Comment: The p.M2713I variant (also known as c.8139G>T), located in coding exon 15 of the APC gene, results from a G to T substitution at nucleotide position 8139. The methionine at codon 2713 is replaced by isoleucine, an amino acid with highly similar properties. This amino acid position is poorly conserved in available vertebrate species. In addition, in silico predictors for this gene do not accurately predict pathogenicity. Since supporting evidence is limited at this time, the clinical significance of this alteration remains unclear.

Labcorp Genetics (formerly Invitae), Labcorp
Classification: Uncertain significance for Familial adenomatous polyposis 1. Last evaluated: 2022-08-24. Review status: criteria provided, single submitter. Criteria: Invitae Variant Classification Sherloc (09022015). Collection method: clinical testing. Allele origin: germline.
Comment: This variant is not present in population databases (gnomAD no frequency). This sequence change replaces methionine, which is neutral and non-polar, with isoleucine, which is neutral and non-polar, at codon 2713 of the APC protein (p.Met2713Ile). This variant has not been reported in the literature in individuals affected with APC-related conditions. In summary, the available evidence is currently insufficient to determine the role of this variant in disease. Therefore, it has been classified as a Variant of Uncertain Significance. Algorithms developed to predict the effect of missense changes on protein structure and function output the following: SIFT: "Tolerated"; PolyPhen-2: "Benign"; Align-GVGD: "Class C0". The isoleucine amino acid residue is found in multiple mammalian species, which suggests that this missense change does not adversely affect protein function. ClinVar contains an entry for this variant (Variation ID: 827477).

NM_000038.6(APC):c.8139G>T (p.Met2713Ile)

Gene: APC (APC regulator of Wnt signaling pathway; plus strand). Cytogenetic location: 5q22.2.
Variant type: single nucleotide variant.
Coding change: c.8139G>T on transcript NM_000038.6 (MANE Select); coding-DNA position 8139, G replaced by T.
Protein change: p.Met2713Ile; replaces methionine 2713 with isoleucine.
Molecular consequence: missense variant.
Genome position (GRCh38, 1-based): chr5:112,843,733, G>T. VCF-style: chr5-112843733-G-T. GRCh37 (hg19) VCF-style: chr5-112179430-G-T.
Other names: c.8139G>T, p.Met2713Ile (NM_001127510.3, NM_001354895.2); c.8085G>T, p.Met2695Ile (NM_001127511.3); c.8193G>T, p.Met2731Ile (NM_001354896.2); c.8169G>T, p.Met2723Ile (NM_001354897.2); c.8064G>T, p.Met2688Ile (NM_001354898.2); c.8055G>T, p.Met2685Ile (NM_001354899.2); c.8016G>T, p.Met2672Ile (NM_001354900.2); c.7962G>T, p.Met2654Ile (NM_001354901.2); and 5 more; short protein forms M2587I, M2612I, M2622I, M2685I, M2688I, M2723I, M2731I, M2553I.
Identifiers: ClinVar variation 827477 (VCV000827477.10), dbSNP rs1580690486, ClinGen allele CA16039009.
Genomic context (GRCh38, chr5:112,843,733, plus strand): 5'-CATTAAAGATTCAAAAGATAATCAGGCAAAACAAAATGTGGGTAATGGCAGTGTTCCCAT[G>T]CGTACCGTGGGTTTGGAAAATCGCCTGAACTCCTTTATTCAGGTGGATGCCCCTGACCAA-3'
Protein context (NP_000029.2, residues 2703-2723): KQNVGNGSVP[Met2713Ile]RTVGLENRLN